The following is an entry in ClinVar:

ClinVar aggregate classification (germline): Likely benign. Review status: criteria provided, multiple submitters, no conflicts (2 of 4 stars). 2 submissions from 2 submitters: Likely benign (2). Last evaluated 2026-04-01.

Conditions:
KBG syndrome (KBGS). Also called: ANKRD11-Related KBG Syndrome. Identifiers: Orphanet 2332, MedGen C0220687, MONDO:0007846, OMIM 148050.

gnomAD v4.1: 3 of 1,613,800 alleles (0.00019%); highest among the groups gnomAD compares: Middle Eastern, 0.016%; no homozygotes.

Submissions (2):

CeGaT Center for Human Genetics Tuebingen
Classification: Likely benign. Last evaluated: 2026-04-01. Review status: criteria provided, single submitter. Criteria: CeGaT Center For Human Genetics Tuebingen Variant Classification Criteria Version 2. Collection method: clinical testing. Allele origin: germline. Affected: yes. Observed: 1 variant allele.
Comment: ANKRD11: BP4, BP7

Labcorp Genetics (formerly Invitae), Labcorp
Classification: Likely benign for KBG syndrome. Last evaluated: 2024-11-27. Review status: criteria provided, single submitter. Criteria: Invitae Variant Classification Sherloc (09022015). Collection method: clinical testing. Allele origin: germline.

NM_013275.6(ANKRD11):c.2181C>T (p.Asp727=)

Gene: ANKRD11 (ankyrin repeat domain 11; minus strand). Cytogenetic location: 16q24.3.
Variant type: single nucleotide variant.
Coding change: c.2181C>T on transcript NM_013275.6 (MANE Select); coding-DNA position 2181, C replaced by T.
Protein change: p.Asp727=; no amino-acid change (aspartic acid 727 retained).
Molecular consequence: synonymous variant.
Genome position (GRCh38, 1-based): chr16:89,284,361, G>A on the plus strand (C>T on the coding strand, the complement: ANKRD11 is on the minus strand). VCF-style: chr16-89284361-G-A. GRCh37 (hg19) VCF-style: chr16-89350769-G-A.
Other names: c.2181C>T, p.Asp727= (NM_001256182.2, NM_001256183.2).
Identifiers: ClinVar variation 3668145 (VCV003668145.4).